The following is an entry in ClinVar:

NM_002471.4(MYH6):c.5513C>T (p.Ser1838Leu)

Gene: MYH6 (myosin heavy chain 6; minus strand). Cytogenetic location: 14q11.2.
Variant type: single nucleotide variant.
Coding change: c.5513C>T on transcript NM_002471.4 (MANE Select); coding-DNA position 5513, C replaced by T.
Protein change: p.Ser1838Leu; replaces serine 1838 with leucine.
Molecular consequence: missense variant.
Genome position (GRCh38, 1-based): chr14:23,384,494, G>A on the plus strand (C>T on the coding strand, the complement: MYH6 is on the minus strand). VCF-style: chr14-23384494-G-A. GRCh37 (hg19) VCF-style: chr14-23853703-G-A.
Other names: short protein forms S1838L.
Identifiers: ClinVar variation 470547 (VCV000470547.12), dbSNP rs747673552, ClinGen allele CA7114415.

ClinVar aggregate classification (germline): Uncertain significance. Review status: criteria provided, multiple submitters, no conflicts (2 of 4 stars). 5 submissions from 5 submitters: Uncertain significance (5). Last evaluated 2026-01-19.

Conditions:
Dilated cardiomyopathy 1EE (CMD1EE). Identifiers: Orphanet 154, MedGen C2750466, MONDO:0013198, OMIM 613252.
Sick sinus syndrome 3, susceptibility to (SSS3). Identifiers: Orphanet 166282, MedGen C3279791, MONDO:0013568, OMIM 614090.
Atrial septal defect 3 (ASD3). Identifiers: Orphanet 1478, MedGen C3279790, MONDO:0013567, OMIM 614089.
Hypertrophic cardiomyopathy 14. Identifiers: MedGen C2750467, MONDO:0013197, OMIM 613251.
Hypertrophic cardiomyopathy 1 (CMH1). Also called: Familial hypertrophic cardiomyopathy 1; MYH7-Related Familial Hypertrophic Cardiomyopathy. Identifiers: MedGen C3495498, MONDO:0008647, OMIM 192600.
Cardiovascular phenotype. Identifiers: MedGen CN230736.

Allele frequency attached by ClinVar (database versions not stated): TOPMed 0.00003; ExAC 0.00004; gnomAD exomes 0.00004.
gnomAD v4.1: 54 of 1,612,828 alleles (0.0033%); highest among the groups gnomAD compares: Admixed American, 0.013%; no homozygotes.

Submissions (5):

Labcorp Genetics (formerly Invitae), Labcorp
Classification: Uncertain significance for Hypertrophic cardiomyopathy 14. Last evaluated: 2026-01-19. Review status: criteria provided, single submitter. Criteria: Invitae Variant Classification Sherloc (09022015). Collection method: clinical testing. Allele origin: germline.
Comment: This sequence change replaces serine, which is neutral and polar, with leucine, which is neutral and non-polar, at codon 1838 of the MYH6 protein (p.Ser1838Leu). This variant is present in population databases (rs747673552, gnomAD 0.02%). This variant has not been reported in the literature in individuals affected with MYH6-related conditions. ClinVar contains an entry for this variant (Variation ID: 470547). Invitae Evidence Modeling of protein sequence and biophysical properties (such as structural, functional, and spatial information, amino acid conservation, physicochemical variation, residue mobility, and thermodynamic stability) indicates that this missense variant is not expected to disrupt MYH6 protein function with a negative predictive value of 80%. In summary, the available evidence is currently insufficient to determine the role of this variant in disease. Therefore, it has been classified as a Variant of Uncertain Significance.

GeneDx
Classification: Uncertain significance. Last evaluated: 2024-09-13. Review status: criteria provided, single submitter. Criteria: GeneDx Variant Classification Process June 2021. Collection method: clinical testing. Allele origin: germline. Affected: yes.
Comment: In silico analysis indicates that this missense variant does not alter protein structure/function; Has not been previously published as pathogenic or benign to our knowledge

Ambry Genetics
Classification: Uncertain significance for Cardiovascular phenotype. Last evaluated: 2023-10-15. Review status: criteria provided, single submitter. Criteria: Ambry Variant Classification Scheme 2023. Collection method: clinical testing. Allele origin: germline.
Comment: The p.S1838L variant (also known as c.5513C>T), located in coding exon 34 of the MYH6 gene, results from a C to T substitution at nucleotide position 5513. The serine at codon 1838 is replaced by leucine, an amino acid with dissimilar properties. This amino acid position is not well conserved in available vertebrate species. In addition, this alteration is predicted to be tolerated by in silico analysis. Since supporting evidence is limited at this time, the clinical significance of this alteration remains unclear.

Fulgent Genetics
Classification: Uncertain significance for Hypertrophic cardiomyopathy 1; Hypertrophic cardiomyopathy 14; Dilated cardiomyopathy 1EE; Atrial septal defect 3; Sick sinus syndrome 3, susceptibility to. Last evaluated: 2021-10-15. Review status: criteria provided, single submitter. Criteria: ACMG Guidelines, 2015. Collection method: clinical testing. Allele origin: unknown.

Women's Health and Genetics/Laboratory Corporation of America, LabCorp
Classification: Uncertain significance. Last evaluated: 2017-03-13. Review status: criteria provided, single submitter. Criteria: LabCorp Variant Classification Summary - May 2015. Collection method: clinical testing. Allele origin: germline.
Comment: Variant summary: The MYH6 c.5513C>T (p.Ser1838Leu) variant involves the alteration of a conserved nucleotide. 2/3 in silico tools predict a damaging outcome for this variant (SNPs&GO and MutationTaster not captured due to low reliability index). This variant was found in 5/121300 control chromosomes at a frequency of 0.0000412, which is approximately 2 times the estimated maximal expected allele frequency of a pathogenic MYH6 variant (0.000025), suggesting this variant is likely a benign polymorphism. The variant of interest has not, to our knowledge, been reported in affected individuals via publications and/or reputable databases/clinical diagnostic laboratories; nor evaluated for functional impact by in vivo/vitro studies. Taken together, this variant is classified as VUS-possibly benign.